The following is an entry in ClinVar:

ClinVar aggregate classification (germline): Likely benign (1 of 4 stars; one submission).

Conditions:
Familial hypercholesterolemia. Also called: Familial hypercholesterolaemia. Identifiers: MedGen C0020445, MONDO:0005439.

gnomAD v4.1: 1 of 1,606,528 alleles (0.000062%); highest among the groups gnomAD compares: Non-Finnish European, 0.000085%; no homozygotes.

Submission:

GENinCode PLC
Classification: Likely benign for Familial hypercholesterolemia. Last evaluated: 2023-04-11. Review status: criteria provided, single submitter. Criteria: ACMG Guidelines, 2015. Collection method: clinical testing. Allele origin: germline.
Comment: This is a synonymous (silent) variant that is not predicted by SpliceAI to impact splicing. In addition, it occurs at a nucleotide that is not conserved. Therefore this variant has been classified as Likely Benign (BP4, BP7).

NM_000384.3(APOB):c.864T>G (p.Leu288=)

Gene: APOB (apolipoprotein B; minus strand). Cytogenetic location: 2p24.1.
Variant type: single nucleotide variant.
Coding change: c.864T>G on transcript NM_000384.3 (MANE Select); coding-DNA position 864, T replaced by G.
Protein change: p.Leu288=; no amino-acid change (leucine 288 retained).
Molecular consequence: synonymous variant.
Genome position (GRCh38, 1-based): chr2:21,034,856, A>C on the plus strand (T>G on the coding strand, the complement: APOB is on the minus strand). VCF-style: chr2-21034856-A-C. GRCh37 (hg19) VCF-style: chr2-21257728-A-C.
Identifiers: ClinVar variation 3392990 (VCV003392990.1).
Genomic context (GRCh38, chr2:21,034,856, plus strand): 5'-ATGTGGACAGAAACTCTTACCTTCACCAAAGAAGCGGCTGTTGATCTTTGGTGTGTCTTC[A>C]AGTTTCAAAGTCTGTGTCACTTGTGCTACCATCCCATACTTATTCCTGGTAACCAAGGAA-3'
Protein context (NP_000375.3, residues 278-298): MVAQVTQTLK[Leu288=]EDTPKINSRF